The following is an entry in ClinVar:

NM_005751.5(AKAP9):c.11687-10TC[2]

Gene: AKAP9 (A-kinase anchoring protein 9; plus strand). Cytogenetic location: 7q21.2.
Variant type: Microsatellite.
Coding change: c.11687-10TC[2] on transcript NM_005751.5 (MANE Select); two copies in a row of the 2-base unit TC starting at c.11687-10; the reference has three copies in a row; one copy, 2 bases deleted.
Molecular consequence: intron variant.
Genome position (GRCh38, 1-based): chr7:92,110,116-92,110,117, TC deleted; deleting any 2 consecutive bases within chr7:92,110,112-92,110,117 gives the same sequence; the position shown is the placement nearest the transcript's 3' end. VCF-style (leftmost placement, unchanged base first): chr7-92110111-TTC-T. GRCh37 (hg19) VCF-style: chr7-91739425-TTC-T.
Other names: c.11663-10TC[2] (NM_147185.3); c.6332-10TC[2] (NM_001379277.1); c.11687-6_11687-5delTC (NM_005751.5).
Identifiers: ClinVar variation 1738643 (VCV001738643.5), dbSNP rs764231357, ClinGen allele CA4338282.
Genomic context (GRCh38, chr7:92,110,111, plus strand): 5'-AACTCTGGTGGGTCTGATACAGGTAGCAATGTAATTTGAAATCAGTTGAATTTCCTGTTT[TTC>T]TCTCATAGGTTCAACTACTCAATTTCATGCTGGCATGAGAAGATAATCCTTTGAAACATC-3'

ClinVar aggregate classification (germline): Conflicting classifications of pathogenicity. Review status: criteria provided, conflicting classifications (1 of 4 stars). 4 submissions from 4 submitters: Uncertain significance (2); Likely benign (2). Last evaluated 2026-03-03.

Conditions:
Cardiovascular phenotype. Identifiers: MedGen CN230736.
Long QT syndrome (LQTS). Identifiers: MedGen C0023976, MeSH D008133, MONDO:0002442. Disease mechanism: loss of function. Inheritance: Various modes of inheritance.

Submissions (4):

Women's Health and Genetics/Laboratory Corporation of America, LabCorp
Classification: Likely benign. Last evaluated: 2026-03-03. Review status: criteria provided, single submitter. Criteria: LabCorp Variant Classification Summary - May 2015. Collection method: clinical testing. Allele origin: germline.
Comment: Variant summary: AKAP9 c.11687-6_11687-5delTC alters a non-conserved nucleotide located at a position not widely known to affect splicing. Consensus agreement among computation tools predict no significant impact on normal splicing. However, these predictions have yet to be confirmed by functional studies. The variant allele was found at a frequency of 4.3e-06 in 232034 control chromosomes. The available data on variant occurrences in the general population are insufficient to allow any conclusion about variant significance. To our knowledge, no occurrence of c.11687-6_11687-5delTC in individuals affected with AKAP9-related conditions and no experimental evidence demonstrating its impact on protein function have been reported. ClinVar contains an entry for this variant (Variation ID: 1738643). Based on the evidence outlined above, the variant was classified as likely benign.

Labcorp Genetics (formerly Invitae), Labcorp
Classification: Uncertain significance for Long QT syndrome. Last evaluated: 2025-02-07. Review status: criteria provided, single submitter. Criteria: Invitae Variant Classification Sherloc (09022015). Collection method: clinical testing. Allele origin: germline.
Comment: This sequence change falls in intron 49 of the AKAP9 gene. It does not directly change the encoded amino acid sequence of the AKAP9 protein. The frequency data for this variant in the population databases is considered unreliable, as metrics indicate poor data quality at this position in the gnomAD database. This variant has not been reported in the literature in individuals affected with AKAP9-related conditions. Algorithms developed to predict the effect of sequence changes on RNA splicing suggest that this variant may disrupt the consensus splice site. In summary, the available evidence is currently insufficient to determine the role of this variant in disease. Therefore, it has been classified as a Variant of Uncertain Significance.

Ambry Genetics
Classification: Uncertain significance for Cardiovascular phenotype. Last evaluated: 2022-01-11. Review status: criteria provided, single submitter. Criteria: Ambry Variant Classification Scheme 2023. Collection method: clinical testing. Allele origin: germline.
Comment: The c.11687-6_11687-5delTC intronic variant, is located six nucleotides upstream from coding exon 50 in the AKAP9 gene. This variant results from a deletion of two nucleotides at positions c.11687-6 to c.11687-5. These nucleotide positions are not well conserved in available vertebrate species. In silico splice site analysis for this alteration is inconclusive. The evidence for this gene-disease relationship is limited; therefore, the clinical significance of this alteration is unclear.

Blueprint Genetics
Classification: Likely benign. Last evaluated: 2020-04-20. Review status: criteria provided, single submitter. Criteria: ACMG Guidelines, 2015. Collection method: clinical testing. Allele origin: germline.